The following is an entry in ClinVar:

ClinVar aggregate classification (germline): Likely benign (1 of 4 stars; one submission).

Conditions:
ALMS1-related disorder. Also called: ALMS1-related condition.

Submission:

PreventionGenetics, part of Exact Sciences
Classification: Likely benign for ALMS1-related condition. Last evaluated: 2025-07-09. Review status: criteria provided, single submitter. Criteria: ACMG Guidelines, 2015. Collection method: clinical testing. Allele origin: germline.
Comment: This variant is classified as likely benign based on ACMG/AMP sequence variant interpretation guidelines (Richards et al. 2015 PMID: 25741868, with internal and published modifications).

NM_001378454.1(ALMS1):c.4890G>C (p.Gln1630His)

Gene: ALMS1 (ALMS1 centrosome and basal body associated protein; plus strand). Cytogenetic location: 2p13.1.
Variant type: single nucleotide variant.
Coding change: c.4890G>C on transcript NM_001378454.1 (MANE Select); coding-DNA position 4890, G replaced by C.
Protein change: p.Gln1630His; replaces glutamine 1630 with histidine.
Molecular consequence: missense variant.
Genome position (GRCh38, 1-based): chr2:73,451,417, G>C. VCF-style: chr2-73451417-G-C. GRCh37 (hg19) VCF-style: chr2-73678544-G-C.
Other names: c.4893G>C, p.Gln1631His (NM_015120.4); short protein forms Q1631H, Q1630H.
Identifiers: ClinVar variation 5001424 (VCV005001424.1).
Genomic context (GRCh38, chr2:73,451,417, plus strand): 5'-ACCAGCAGGACCTTTAGGTTCCAGTGCACTTGGAGAGAAGCCCATTACTTTCTACCGGCA[G>C]GCTCTGCTAGACAGTCCTCTAAATAAAGAGGTTGTGAAAGTTTCAGCTGCTCCTGGACCA-3'
Protein context (NP_001365383.1, residues 1620-1640): LGEKPITFYR[Gln1630His]ALLDSPLNKE